The following is an entry in ClinVar:

ClinVar aggregate classification (germline): Likely pathogenic (1 of 4 stars; one submission).

Conditions:
Early-infantile DEE. Also called: Early infantile epileptic encephalopathy; Early infantile epileptic encephalopathy with suppression bursts; Ohtahara syndrome. Identifiers: Orphanet 1934, MedGen C0393706, MONDO:0800491.

Submission:

Labcorp Genetics (formerly Invitae), Labcorp
Classification: Likely pathogenic for Early-infantile DEE. Last evaluated: 2022-05-17. Review status: criteria provided, single submitter. Criteria: Invitae Variant Classification Sherloc (09022015). Collection method: clinical testing. Allele origin: germline.
Comment: In summary, the currently available evidence indicates that the variant is pathogenic, but additional data are needed to prove that conclusively. Therefore, this variant has been classified as Likely Pathogenic. This variant disrupts the p.Val1390 amino acid residue in SCN1A. Other variant(s) that disrupt this residue have been determined to be pathogenic (PMID: 12083760, 20431604, 22780858, 23762420, 29141279, 30182498). This suggests that this residue is clinically significant, and that variants that disrupt this residue are likely to be disease-causing. Advanced modeling of protein sequence and biophysical properties (such as structural, functional, and spatial information, amino acid conservation, physicochemical variation, residue mobility, and thermodynamic stability) performed at Invitae indicates that this missense variant is expected to disrupt SCN1A protein function. This variant has not been reported in the literature in individuals affected with SCN1A-related conditions. This variant is not present in population databases (gnomAD no frequency). This sequence change replaces valine, which is neutral and non-polar, with alanine, which is neutral and non-polar, at codon 1390 of the SCN1A protein (p.Val1390Ala).

Literature cited by the submitters: PubMed 12083760; PubMed 20431604; PubMed 22780858; PubMed 23762420; PubMed 29141279; PubMed 30182498.

NM_001165963.4(SCN1A):c.4169T>C (p.Val1390Ala)

Genes: SCN1A (sodium voltage-gated channel alpha subunit 1; minus strand), LOC102724058 (uncharacterized LOC102724058; plus strand). Cytogenetic location: 2q24.3.
Variant type: single nucleotide variant.
Coding change: c.4169T>C on transcript NM_001165963.4 (MANE Select); coding-DNA position 4169, T replaced by C.
Protein change: p.Val1390Ala; replaces valine 1390 with alanine.
Molecular consequence: missense variant. On other transcripts: non-coding transcript variant (1).
Genome position (GRCh38, 1-based): chr2:166,002,587, A>G on the plus strand (T>C on the coding strand, the complement: SCN1A is on the minus strand). VCF-style: chr2-166002587-A-G. GRCh37 (hg19) VCF-style: chr2-166859097-A-G.
Other names: c.4085T>C, p.Val1362Ala (NM_001165964.3, NM_001353957.2, NM_001353958.2); c.4169T>C, p.Val1390Ala (NM_001202435.3, NM_001353948.2); c.4136T>C, p.Val1379Ala (NM_001353949.2, NM_001353950.2, NM_001353951.2 and 2 more transcripts); c.4133T>C, p.Val1378Ala (NM_001353954.2, NM_001353955.2); c.4082T>C, p.Val1361Ala (NM_001353960.2); c.1727T>C, p.Val576Ala (NM_001353961.2); short protein forms V1362A, V1379A, V1390A, V576A, V1378A, V1361A.
Identifiers: ClinVar variation 2107915 (VCV002107915.4), dbSNP rs2468435376, ClinGen allele CA349050204.
Genomic context (GRCh38, chr2:166,002,587, plus strand): 5'-TTTTTCCATCGAGCAGTCTCATTTCTTTCTATTAGTTTTAGGCAATCAGTATGATTATTC[A>G]CGTCTTCGATGTCAAACCTGTCACCAGTTGTGGTGTTAATACAGTGGTAGAATTTGCCAG-3'
Protein context (NP_001159435.1, residues 1380-1400): TTGDRFDIED[Val1390Ala]NNHTDCLKLI